The following is an entry in ClinVar:

ClinVar aggregate classification (germline): Uncertain significance. Review status: criteria provided, multiple submitters, no conflicts (2 of 4 stars). 3 submissions from 3 submitters: Uncertain significance (3). Last evaluated 2025-10-26.

Conditions:
Hereditary cancer-predisposing syndrome. Also called: Hereditary neoplastic syndrome; Tumor predisposition; Hereditary Cancer Syndrome; Neoplastic Syndromes, Hereditary. Identifiers: Orphanet 140162, MedGen C0027672, MeSH D009386, MONDO:0015356.
Cardiovascular phenotype. Identifiers: MedGen CN230736.

Allele frequency attached by ClinVar (database versions not stated): ESP Exome Variant Server 0.00008.

Submissions (3):

Labcorp Genetics (formerly Invitae), Labcorp
Classification: Uncertain significance. Last evaluated: 2025-10-26. Review status: criteria provided, single submitter. Criteria: Invitae Variant Classification Sherloc (09022015). Collection method: clinical testing. Allele origin: germline.
Comment: This sequence change replaces isoleucine, which is neutral and non-polar, with serine, which is neutral and polar, at codon 462 of the LZTR1 protein (p.Ile462Ser). This variant is not present in population databases (gnomAD no frequency). This variant has not been reported in the literature in individuals affected with LZTR1-related conditions. ClinVar contains an entry for this variant (Variation ID: 1443164). Invitae Evidence Modeling of protein sequence and biophysical properties (such as structural, functional, and spatial information, amino acid conservation, physicochemical variation, residue mobility, and thermodynamic stability) indicates that this missense variant is not expected to disrupt LZTR1 protein function with a negative predictive value of 80%. In summary, the available evidence is currently insufficient to determine the role of this variant in disease. Therefore, it has been classified as a Variant of Uncertain Significance.

Ambry Genetics
Classification: Uncertain significance for Cardiovascular phenotype; Hereditary cancer-predisposing syndrome. Last evaluated: 2025-04-01. Review status: criteria provided, single submitter. Criteria: Ambry Variant Classification Scheme 2023. Collection method: clinical testing. Allele origin: germline.
Comment: The p.I462S variant (also known as c.1385T>G), located in coding exon 13 of the LZTR1 gene, results from a T to G substitution at nucleotide position 1385. The isoleucine at codon 462 is replaced by serine, an amino acid with dissimilar properties. This amino acid position is highly conserved in available vertebrate species. In addition, this alteration is predicted to be deleterious by in silico analysis. Since supporting evidence is limited at this time, the clinical significance of this alteration remains unclear.

CeGaT Center for Human Genetics Tuebingen
Classification: Uncertain significance. Last evaluated: 2025-03-01. Review status: criteria provided, single submitter. Criteria: CeGaT Center For Human Genetics Tuebingen Variant Classification Criteria Version 2. Collection method: clinical testing. Allele origin: germline. Affected: yes. Observed: 1 variant allele.
Comment: LZTR1: PM2

NM_006767.4(LZTR1):c.1385T>G (p.Ile462Ser)

Gene: LZTR1 (leucine zipper like post translational regulator 1; plus strand). Cytogenetic location: 22q11.21.
Variant type: single nucleotide variant.
Coding change: c.1385T>G on transcript NM_006767.4 (MANE Select); coding-DNA position 1385, T replaced by G.
Protein change: p.Ile462Ser; replaces isoleucine 462 with serine.
Molecular consequence: missense variant.
Genome position (GRCh38, 1-based): chr22:20,993,955, T>G. VCF-style: chr22-20993955-T-G. GRCh37 (hg19) VCF-style: chr22-21348244-T-G.
Other names: c.1385T>G (NM_006767.3); short protein forms I462S.
Identifiers: ClinVar variation 1443164 (VCV001443164.17), dbSNP rs147684991, ClinGen allele CA322268889.